The following is an entry in ClinVar:

NM_001171506.2(MCFD2):c.-190del

Genes: MCFD2 (multiple coagulation factor deficiency 2, ER cargo receptor complex subunit; minus strand), LOC129933675 (ATAC-STARR-seq lymphoblastoid silent region 11457; plus strand). Cytogenetic location: 2p21.
Variant type: Deletion.
Coding change: c.-190del on transcript NM_001171506.2; 190 bases upstream of the start codon, one base deleted (G; older notation c.-190delG).
Molecular consequence: 5 prime UTR variant. On other transcripts: intron variant (4).
Genome position (GRCh38, 1-based): chr2:46,915,812, C deleted on the plus strand (G on the coding strand, the reverse complement: MCFD2 is on the minus strand); the first of 16 consecutive C bases (chr2:46,915,812-46,915,827); deleting any one gives the same sequence. VCF-style (leftmost placement, unchanged base first): chr2-46915811-GC-G. GRCh37 (hg19) VCF-style: chr2-47142950-GC-G.
Other names: c.-111delG (NM_139279.5); c.-6-6635del (NM_001171508.2); c.-7+169del (NM_001171507.2); c.93-7843del (NM_001171511.3); c.-8+169del (NM_001171510.3).
Identifiers: ClinVar variation 2650875 (VCV002650875.22), dbSNP rs372282781, ClinGen allele CA769391636.

ClinVar aggregate classification (germline): Benign (1 of 4 stars; one submission).

Submission:

CeGaT Center for Human Genetics Tuebingen
Classification: Benign. Last evaluated: 2023-03-01. Review status: criteria provided, single submitter. Criteria: CeGaT Center For Human Genetics Tuebingen Variant Classification Criteria Version 2. Collection method: clinical testing. Allele origin: germline. Affected: yes. Observed: 4 variant alleles.
Comment: MCFD2: BS1, BS2